The following is an entry in ClinVar:

NM_000203.5(IDUA):c.1861C>T (p.Arg621Ter)

Gene: IDUA (alpha-L-iduronidase; plus strand). Cytogenetic location: 4p16.3.
Variant type: single nucleotide variant.
Coding change: c.1861C>T on transcript NM_000203.5 (MANE Select); coding-DNA position 1861, C replaced by T.
Protein change: p.Arg621Ter; replaces arginine 621 with a stop codon.
Molecular consequence: nonsense. On other transcripts: non-coding transcript variant (1).
Genome position (GRCh38, 1-based): chr4:1,004,292, C>T. VCF-style: chr4-1004292-C-T. GRCh37 (hg19) VCF-style: chr4-998080-C-T.
Other names: NM_000203.5(IDUA):c.1861C>T; c.1465C>T, p.Arg489Ter (NM_001363576.1); short protein forms R621*, R489*.
Identifiers: ClinVar variation 11917 (VCV000011917.26), dbSNP rs121965025, ClinGen allele CA256118.

ClinVar aggregate classification (germline): Pathogenic. Review status: reviewed by expert panel (3 of 4 stars). 10 submissions from 10 submitters: Pathogenic (1). 9 of the submissions do not count toward it. Last evaluated 2025-12-15.

Conditions:
Mucopolysaccharidosis type 1. Also called: Mucopolysaccharidosis Type I; IDUA deficiency; MPS I. Identifiers: Orphanet 579, MedGen C0023786, MONDO:0001586.
Mucopolysaccharidosis, MPS-I-S. Also called: MPS V; MUCOPOLYSACCHARIDOSIS TYPE V; Scheie Syndrome; MUCOPOLYSACCHARIDOSIS TYPE IS. Identifiers: Orphanet 93474, MedGen C0026708, MONDO:0011760, OMIM 607016.
Hurler syndrome. Also called: Severe MPS I (Hurler Syndrome); Gargoylism, Hurler Syndrome; MUCOPOLYSACCHARIDOSIS TYPE IH. Identifiers: Orphanet 93473, MedGen C0086795, MONDO:0011758, OMIM 607014.
Mucopolysaccharidosis, MPS-I-H/S. Also called: Mucopolysaccharidosis type IH/S. Identifiers: Orphanet 93476, MedGen C0086431, MONDO:0011759, OMIM 607015.

gnomAD v4.1: 21 of 1,610,956 alleles (0.0013%); highest among the groups gnomAD compares: Admixed American, 0.0083%; no homozygotes.

Submissions (10):

ClinGen Lysosomal Storage Disorder Variant Curation Expert Panel
Classification: Pathogenic for Mucopolysaccharidosis type 1. Last evaluated: 2025-12-15. Review status: reviewed by expert panel. Criteria: ClinGen LSD ACMG Specifications IDUA V1.1.0. Collection method: curation. Allele origin: germline. Inheritance: Autosomal recessive inheritance.
Comment: The NM_000203.5(IDUA):c.1861C>T (p.Arg621Ter) variant in IDUA is a nonsense variant predicted to cause a premature stop codon in the last 50 nucleotides of the last exon of the gene and therefore to escape nonsense mediated decay. Less than 10% of the protein is predicted to be removed. (PVS1_Moderate). This variant has been detected in at least 7 individuals who have been diagnosed with MPS I. Individuals are compound heterozygous for the variant and another variant in IDUA that has been classified as pathogenic for MPS I by the ClinGen LD VCEP, all phase unconfirmed, including c.590-7G>A (J Mucopolysacch Rare Dis 2016;2(1):23-26; 0.5 points), c.187C>T (p.Gln63Ter) (PMID: 36837830; 0.5 points), (p.Pro533Arg) (PMID: 31194252; 0.5 points), c.1139A>G (p.Gln380Arg) (PMID: 11735025, 31194252; 0.5 points), or a likely pathogenic variant, (p.Thr388Arg) (PMID: 31194252, 0.25 points). Another individual is compound heterozygous for the variant and c.1205G>A (p.Trp402Ter); variants confirmed in trans by parental testing (PMID: 7550242; 1 point). At least one individual is homozygous for the variant (0.5 points, PMID: 27146977) (PM3_Supporting). Total 3.75 points (PM3_Strong). One of these patients had documented IDUA deficiency within the affected range in leukocytes or plasma (unspecified), and clinical features specific to MPS I including dysostosis multiplex, hepatosplenomegaly, and corneal involvement. (3 points, PMID: 27146977, PP4_Moderate). One of these patients had documented clinical features consistent with the condition (inguinal hernia, chronic respiratory failure, joint stiffness, hirsutism, Mongolian spots, coarse facial features), documented values showing low IDUA activity in leukocytes, and elevated urinary GAG level with elevated dermatan sulfate which improved upon HSCT and ERT (J Mucopolysacch Rare Dis 2016;2(1):23-26)(PP4_Moderate). The highest population minor allele frequency in gnomAD v4.1.0. is 0.00008333 (5/60004 alleles) in the Admixed American population, which is lower than the ClinGen Lysosomal Diseases VCEP’s threshold for PM2_Supporting (<0.00025), meeting this criterion (PM2_Supporting). There is a ClinVar entry for this variant (Variation ID: 11917). The auto-classification for this variant, likely pathogenic, has been modified to pathogenic based on the finding another nonsense variant, c.1882C>T (p.Arg628Ter) (ClinVar ID: 550421), which occurs downstream from the variant under assessment and is also predicted not to undergo nonsense-mediated decay, has been classified as pathogenic by the ClinGen LD VCEP, suggesting that the C terminus of the protein is important for function of IDUA. In summary, this variant has been classified as pathogenic for MPS I by the ClinGen Lysosomal Diseases Variant Curation Expert Panel (Specifications Version 1.1.0): PM3_Strong, PVS1_Moderate, PM2_Supporting, PP4_Moderate (classified modified from LP to P) (Classification approved by the ClinGen Lysosomal Diseases Variant Curation Expert Panel on December 15, 2025)

Labcorp Genetics (formerly Invitae), Labcorp
Classification: Pathogenic for Mucopolysaccharidosis type 1. Last evaluated: 2025-12-21. Review status: criteria provided, single submitter. Criteria: Invitae Variant Classification Sherloc (09022015). Collection method: clinical testing. Allele origin: germline. Not counted in ClinVar's aggregate classification.
Comment: This sequence change creates a premature translational stop signal (p.Arg621*) in the IDUA gene. While this is not anticipated to result in nonsense mediated decay, it is expected to disrupt the last 33 amino acid(s) of the IDUA protein. This variant is present in population databases (rs121965025, gnomAD 0.01%). This premature translational stop signal has been observed in individuals with mucopolysaccharidosis type 1 (PMID: 7550242, 7951228, 21394825, 23786846, 27146977, 28752568). ClinVar contains an entry for this variant (Variation ID: 11917). Algorithms developed to predict the effect of sequence changes on RNA splicing suggest that this variant may disrupt the consensus splice site. This variant disrupts a region of the IDUA protein in which other variant(s) (p.Trp626*) have been determined to be pathogenic (PMID: 19396826, 21462124, 28752568). This suggests that this is a clinically significant region of the protein, and that variants that disrupt it are likely to be disease-causing. For these reasons, this variant has been classified as Pathogenic.

Natera, Inc.
Classification: Pathogenic for Mucopolysaccharidosis type I. Last evaluated: 2025-02-19. Review status: criteria provided, single submitter. Criteria: Natera Variant Classification Schema (03/2026). Collection method: clinical testing. Allele origin: germline. Not counted in ClinVar's aggregate classification.
Comment: The c.1861C>T variant in IDUA is a nonsense variant predicted to introduce a stop codon at amino acid 621. This variant is expected to result in nonsense mediated decay, truncation, or a dysfunctional protein product. This variant is rare in the general population with a frequency below the threshold expected for the associated phenotype(s). This variant has been observed in one or more individuals affected with the associated recessive disease, as either homozygous or compound heterozygous with a second variant (PMID: 28752568, 35141277, 27146977). Given the available evidence, this variant is classified as Pathogenic.

Fulgent Genetics
Classification: Pathogenic for Hurler syndrome; Mucopolysaccharidosis, MPS-I-H/S; Mucopolysaccharidosis, MPS-I-S. Last evaluated: 2024-01-10. Review status: criteria provided, single submitter. Criteria: ACMG Guidelines, 2015. Collection method: clinical testing. Allele origin: germline. Not counted in ClinVar's aggregate classification.

Revvity Omics, Revvity
Classification: Pathogenic. Last evaluated: 2022-07-30. Review status: criteria provided, single submitter. Criteria: ACMG Guidelines, 2015. Collection method: clinical testing. Allele origin: germline. Not counted in ClinVar's aggregate classification.

Rady Children's Institute for Genomic Medicine, Rady Children's Hospital San Diego
Classification: Pathogenic for Mucopolysaccharidosis type I. Last evaluated: 2020-08-05. Review status: criteria provided, single submitter. Criteria: ACMG Guidelines, 2015. Collection method: clinical testing. Allele origin: germline. Affected: yes. Not counted in ClinVar's aggregate classification.
Comment: This nonsense variant is found in exon 14 of 14 and is predicted to result in the disruption of the final 33 amino acids of the protein. This variant has been previously reported as compound heterozygous or homozygous change in patients with Mucopolysaccharidosis type I (PMID: 7951228, 27146977, 23786846, 21394825). Functional characterization of the variant indicates that it reduces enzyme activity to less than 10% residual activity (PMID: 23786846). It is present in the heterozygous state in the gnomAD population database at a frequency of 0.003% (7/248290) and thus is presumed to be rare. Based on the available evidence, the c.1861C>T (p.Arg621Ter) variant is classified as Pathogenic.

Broad Center for Mendelian Genomics, Broad Institute of MIT and Harvard
Classification: Pathogenic for Mucopolysaccharidosis type 1. Last evaluated: 2020-01-13. Review status: criteria provided, single submitter. Criteria: ACMG Guidelines, 2015. Collection method: curation. Allele origin: germline. Inheritance: Autosomal recessive inheritance. Not counted in ClinVar's aggregate classification.
Comment: The p.Arg621Ter variant in IDUA has been reported in at least 4 individuals with mucopolysaccharidosis (MPS) (PMID: 11735025, 7951228, 27146977, 7550242) and has been identified in 0.014% (5/34554) of Latino chromosomes, 0.003% (1/30604) of South Asian chromosomes and 0.001% (1/112398) of European (non-Finnish) chromosomes by the Genome Aggregation Database (gnomAD; dbSNP rs121965025). Although this variant has been seen in the general population, its frequency is low enough to be consistent with a recessive carrier frequency. This variant has also been reported in ClinVar (VariationID: 11917) as pathogenic by Counsyl, Integrated Genetics, and OMIM. This nonsense variant leads to a premature termination codon at position 621. This alteration occurs within the last exon and is more likely to escape nonsense mediated decay (NMD) and result in a truncated protein. Loss of function of the IDUA gene is an established disease mechanism in autosomal recessive MPS. The presence of this variant in 1 affected homozygote and in combination with reported pathogenic variants in 2 individuals with MPS increases the likelihood that the p.Arg621Ter variant is pathogenic (VariationID: 11908, 550799; PMID: 11735025, 7951228, 27146977). The phenotype of an individual compound heterozygous for this variant is highly specific for MPS based on alpha-L-iduronidase activity being <1% of normal consistent with disease (PMID: 23786846). In summary, this variant meets criteria to be classified as pathogenic for MPS in an autosomal recessive manner based on the prediction that the variant will cause loss of function, the presence of the variant in affected homozygotes and compound heterozygotes, and the phenotype of an individual with this variant being highly specific for MPS. ACMG/AMP Criteria applied: PVS1_strong, PM3_strong, PM2_supporting, PP4 (Richards 2015).

Women's Health and Genetics/Laboratory Corporation of America, LabCorp
Classification: Pathogenic for Mucopolysaccharidosis type I. Last evaluated: 2018-08-20. Review status: criteria provided, single submitter. Criteria: LabCorp Variant Classification Summary - May 2015. Collection method: clinical testing. Allele origin: germline. Not counted in ClinVar's aggregate classification.
Comment: Variant summary: IDUA c.1861C>T (p.Arg621X) results in a premature termination codon, predicted to cause a truncation of the encoded protein or absence of the protein due to nonsense mediated decay, which are commonly known mechanisms for disease. The variant allele was found at a frequency of 2.5e-05 in 243934 control chromosomes (gnomAD and publications). The variant, c.1861C>T, has been reported in the literature in individuals affected with Mucopolysaccharidosis Type 1 (Uttarilli_2016, Bunge_1994, Oussorena_2013). These data indicate that the variant is likely to be associated with disease. At least one publication reports experimental evidence evaluating an impact on protein function (Uttarilli_2016). The most pronounced variant effect results in <10% of normal activity. One clinical diagnostic laboratory has submitted clinical-significance assessments for this variant to ClinVar after 2014 without evidence for independent evaluation and classified the variant as pathogenic. Based on the evidence outlined above, the variant was classified as pathogenic.

Counsyl
Classification: Pathogenic for Hurler syndrome. Last evaluated: 2017-06-30. Review status: no assertion criteria provided. Collection method: clinical testing. Allele origin: unknown. Not counted in ClinVar's aggregate classification.

OMIM
Classification: Pathogenic for HURLER SYNDROME. Last evaluated: 1994-06-01. Review status: no assertion criteria provided. Collection method: literature only. Allele origin: germline. Not counted in ClinVar's aggregate classification.

Literature cited by the submitters: PubMed 7550242 (cited by Labcorp Genetics (formerly Invitae), Labcorp and Counsyl); PubMed 7951228 (cited by 3 submitters); PubMed 21394825 (cited by Labcorp Genetics (formerly Invitae), Labcorp); PubMed 23786846 (cited by 3 submitters); PubMed 27146977 (cited by 3 submitters); PubMed 28752568 (cited by Labcorp Genetics (formerly Invitae), Labcorp and Natera, Inc.); PubMed 19396826 (cited by Labcorp Genetics (formerly Invitae), Labcorp); PubMed 21462124 (cited by Labcorp Genetics (formerly Invitae), Labcorp); PubMed 35141277 (cited by Natera, Inc.).